The following is an entry in ClinVar:

NM_001164508.2(NEB):c.1044C>A (p.Tyr348Ter)

Gene: NEB (nebulin; minus strand). Cytogenetic location: 2q23.3.
Variant type: single nucleotide variant.
Coding change: c.1044C>A on transcript NM_001164508.2 (MANE Select); coding-DNA position 1044, C replaced by A.
Protein change: p.Tyr348Ter; replaces tyrosine 348 with a stop codon.
Molecular consequence: nonsense.
Genome position (GRCh38, 1-based): chr2:151,706,989, G>T on the plus strand (C>A on the coding strand, the complement: NEB is on the minus strand). VCF-style: chr2-151706989-G-T. GRCh37 (hg19) VCF-style: chr2-152563503-G-T.
Other names: c.1044C>A, p.Tyr348Ter (NM_001164507.2, NM_001271208.2, NM_004543.5); short protein forms Y348*.
Identifiers: ClinVar variation 4814701 (VCV004814701.1).

ClinVar aggregate classification (germline): Likely pathogenic (1 of 4 stars; one submission).

Conditions:
Nemaline myopathy 2 (NEM2). Also called: Nemaline myopathy 2, autosomal recessive. Identifiers: MedGen C1850569, MONDO:0009725, OMIM 256030.

Submission:

Natera, Inc.
Classification: Likely pathogenic for Nemaline myopathy type 2. Last evaluated: 2024-09-06. Review status: criteria provided, single submitter. Criteria: Natera Variant Classification Schema (03/2026). Collection method: clinical testing. Allele origin: germline.
Comment: The c.1044C>A variant in NEB is a nonsense variant predicted to introduce a stop codon at amino acid 348. This variant is expected to result in nonsense mediated decay, truncation, or a dysfunctional protein product. This variant is rare in the general population with a frequency below the threshold expected for the associated phenotype(s). Given the available evidence, this variant is classified as Likely Pathogenic.